The following is an entry in ClinVar:

ClinVar aggregate classification (germline): Uncertain significance (1 of 4 stars; one submission).

Submission:

GeneDx
Classification: Uncertain significance. Last evaluated: 2026-03-24. Review status: criteria provided, single submitter. Criteria: GeneDx Variant Classification Process June 2021. Collection method: clinical testing. Allele origin: germline.
Comment: Not observed at significant frequency in large population cohorts (gnomAD); In silico analysis suggests that this missense variant does not alter protein structure/function; Has not been previously published as pathogenic or benign to our knowledge

NM_001005273.3(CHD3):c.5813C>A (p.Ala1938Glu)

Gene: CHD3 (chromodomain helicase DNA binding protein 3; plus strand). Cytogenetic location: 17p13.1.
Variant type: single nucleotide variant.
Coding change: c.5813C>A on transcript NM_001005273.3 (MANE Select); coding-DNA position 5813, C replaced by A.
Protein change: p.Ala1938Glu; replaces alanine 1938 with glutamic acid.
Molecular consequence: missense variant.
Genome position (GRCh38, 1-based): chr17:7,910,905, C>A. VCF-style: chr17-7910905-C-A. GRCh37 (hg19) VCF-style: chr17-7814223-C-A.
Other names: c.5990C>A, p.Ala1997Glu (NM_001005271.3); c.5711C>A, p.Ala1904Glu (NM_005852.4); short protein forms A1904E, A1938E, A1997E.
Identifiers: ClinVar variation 3343785 (VCV003343785.2).